The following is an entry in ClinVar:

NM_144997.7(FLCN):c.1432+9C>T

Gene: FLCN (folliculin; minus strand). Cytogenetic location: 17p11.2.
Variant type: single nucleotide variant.
Coding change: c.1432+9C>T on transcript NM_144997.7 (MANE Select); 9 bases into the intron after coding-DNA position 1432, C replaced by T.
Molecular consequence: intron variant.
Genome position (GRCh38, 1-based): chr17:17,215,176, G>A on the plus strand (C>T on the coding strand, the complement: FLCN is on the minus strand). VCF-style: chr17-17215176-G-A. GRCh37 (hg19) VCF-style: chr17-17118490-G-A.
Other names: c.1432+9C>T (NM_001353231.2, NM_001353230.2); c.1486+9C>T (NM_001353229.2).
Identifiers: ClinVar variation 702520 (VCV000702520.8), dbSNP rs751683346, ClinGen allele CA8415999.

ClinVar aggregate classification (germline): Likely benign. Review status: criteria provided, multiple submitters, no conflicts (2 of 4 stars). 2 submissions from 2 submitters: Likely benign (2). Last evaluated 2025-12-24.

Conditions:
Birt-Hogg-Dube syndrome 1 (BHD1). Also called: FIBROFOLLICULOMAS WITH TRICHODISCOMAS AND ACROCHORDONS. Identifiers: Orphanet 122, MedGen CN375946, MONDO:0800445, OMIM 135150.
Birt-Hogg-Dube syndrome. Also called: Birt Hogg Dubé syndrome. Identifiers: Orphanet 122, MedGen C0346010, MONDO:0800444.

Allele frequency attached by ClinVar (database versions not stated): gnomAD exomes below 0.00001; ExAC 0.00001; gnomAD 0.00001; TOPMed 0.00001.
gnomAD v4.1: 4 of 1,613,958 alleles (0.00025%); highest among the groups gnomAD compares: South Asian, 0.0011%; no homozygotes.

Submissions (2):

Labcorp Genetics (formerly Invitae), Labcorp
Classification: Likely benign for Birt-Hogg-Dube syndrome. Last evaluated: 2025-12-24. Review status: criteria provided, single submitter. Criteria: Invitae Variant Classification Sherloc (09022015). Collection method: clinical testing. Allele origin: germline.

Myriad Genetics, Inc.
Classification: Likely benign for Birt-Hogg-Dube syndrome 1. Last evaluated: 2024-10-25. Review status: criteria provided, single submitter. Criteria: Myriad Autosomal Dominant, Autosomal Recessive and X-Linked Classification Criteria (2023). Collection method: clinical testing. Allele origin: unknown.
Comment: This variant is considered likely benign. This variant is intronic and is not expected to impact mRNA splicing.